The following is an entry in ClinVar:

NM_000142.5(FGFR3):c.2355C>T (p.Asp785=)

Gene: FGFR3 (fibroblast growth factor receptor 3; plus strand). Cytogenetic location: 4p16.3.
Variant type: single nucleotide variant.
Coding change: c.2355C>T on transcript NM_000142.5 (MANE Select); coding-DNA position 2355, C replaced by T.
Protein change: p.Asp785=; no amino-acid change (aspartic acid 785 retained).
Molecular consequence: synonymous variant. On other transcripts: nonsense (1), non-coding transcript variant (1).
Genome position (GRCh38, 1-based): chr4:1,807,196, C>T. VCF-style: chr4-1807196-C-T. GRCh37 (hg19) VCF-style: chr4-1808923-C-T.
Other names: c.2287C>T (NM_001354810.1); c.2361C>T, p.Asp787= (NM_001163213.2); c.2358C>T, p.Asp786= (NM_001354809.2); c.2287C>T, p.Arg763Ter (NM_001354810.2); c.2019C>T, p.Asp673= (NM_022965.4); c.2355C>T (NM_000142.4); short protein forms R763*.
Identifiers: ClinVar variation 1680143 (VCV001680143.10), dbSNP rs753206367, ClinGen allele CA2810851.

ClinVar aggregate classification (germline): Likely benign. Review status: criteria provided, multiple submitters, no conflicts (2 of 4 stars). 3 submissions from 3 submitters: Likely benign (3). Last evaluated 2025-03-19.

Conditions:
FGFR3-related disorder. Also called: FGFR3-related disorders.
Inborn genetic diseases. Identifiers: MedGen C0950123, MeSH D030342.

Allele frequency attached by ClinVar (database versions not stated): ExAC 0.00001; gnomAD 0.00001; gnomAD exomes 0.00001 and 0.00002; TOPMed 0.00001.

Submissions (3):

PreventionGenetics, part of Exact Sciences
Classification: Likely benign for FGFR3-related condition. Last evaluated: 2025-03-19. Review status: criteria provided, single submitter. Criteria: ACMG Guidelines, 2015. Collection method: clinical testing. Allele origin: germline.
Comment: This variant is classified as likely benign based on ACMG/AMP sequence variant interpretation guidelines (Richards et al. 2015 PMID: 25741868, with internal and published modifications).

Labcorp Genetics (formerly Invitae), Labcorp
Classification: Likely benign. Last evaluated: 2025-02-28. Review status: criteria provided, single submitter. Criteria: Invitae Variant Classification Sherloc (09022015). Collection method: clinical testing. Allele origin: germline.

Ambry Genetics
Classification: Likely benign for Inborn genetic diseases. Last evaluated: 2024-06-11. Review status: criteria provided, single submitter. Criteria: Ambry Variant Classification Scheme 2023. Collection method: clinical testing. Allele origin: germline.